The following is an entry in ClinVar:

ClinVar aggregate classification (germline): Uncertain significance (1 of 4 stars; one submission).

Allele frequency attached by ClinVar (database versions not stated): gnomAD exomes below 0.00001.
gnomAD v4.1: 3 of 1,614,094 alleles (0.00019%); highest among the groups gnomAD compares: Admixed American, 0.0017%; no homozygotes.

Submission:

Labcorp Genetics (formerly Invitae), Labcorp
Classification: Uncertain significance. Last evaluated: 2022-11-01. Review status: criteria provided, single submitter. Criteria: Invitae Variant Classification Sherloc (09022015). Collection method: clinical testing. Allele origin: germline.
Comment: In summary, the available evidence is currently insufficient to determine the role of this variant in disease. Therefore, it has been classified as a Variant of Uncertain Significance. Advanced modeling of protein sequence and biophysical properties (such as structural, functional, and spatial information, amino acid conservation, physicochemical variation, residue mobility, and thermodynamic stability) performed at Invitae indicates that this missense variant is not expected to disrupt HPS1 protein function. ClinVar contains an entry for this variant (Variation ID: 1498479). This variant has not been reported in the literature in individuals affected with HPS1-related conditions. This variant is not present in population databases (gnomAD no frequency). This sequence change replaces proline, which is neutral and non-polar, with threonine, which is neutral and polar, at codon 340 of the HPS1 protein (p.Pro340Thr).

NM_000195.5(HPS1):c.1018C>A (p.Pro340Thr)

Gene: HPS1 (HPS1 biogenesis of lysosomal organelles complex 3 subunit 1; minus strand). Cytogenetic location: 10q24.2.
Variant type: single nucleotide variant.
Coding change: c.1018C>A on transcript NM_000195.5 (MANE Select); coding-DNA position 1018, C replaced by A.
Protein change: p.Pro340Thr; replaces proline 340 with threonine.
Molecular consequence: missense variant.
Genome position (GRCh38, 1-based): chr10:98,425,955, G>T on the plus strand (C>A on the coding strand, the complement: HPS1 is on the minus strand). VCF-style: chr10-98425955-G-T. GRCh37 (hg19) VCF-style: chr10-100185712-G-T.
Other names: c.919C>A, p.Pro307Thr (NM_001322478.2, NM_001322479.2); c.757C>A, p.Pro253Thr (NM_001322480.2, NM_001322481.2); c.658C>A, p.Pro220Thr (NM_001322482.2); c.649C>A, p.Pro217Thr (NM_001322483.2, NM_001322484.2); c.550C>A, p.Pro184Thr (NM_001322485.2); c.46C>A, p.Pro16Thr (NM_001322487.2, NM_001322489.2, NM_001311345.2); c.1018C>A, p.Pro340Thr (NM_001322476.2, NM_001322477.2); short protein forms P184T, P220T, P340T, P16T, P253T, P217T, P307T.
Identifiers: ClinVar variation 1498479 (VCV001498479.6), dbSNP rs987840036, ClinGen allele CA212764145.
Genomic context (GRCh38, chr10:98,425,955, plus strand): 5'-TTTCCTTCACGTTGGCATCCAGGAAGATCCTTCTGGGGCCGGAAGGCACAGGGCAGTGGG[G>T]AACCAGTGTTTGGAGGGTGTCCTCTGCTATCTACAGAGGAAGAAGAGCTGCAGTGAGAGG-3'
Protein context (NP_000186.2, residues 330-350): IAEDTLQTLV[Pro340Thr]HCPVPSGPRR